The following is an entry in ClinVar:

NM_000051.4(ATM):c.4879C>G (p.Gln1627Glu)

Gene: ATM (ATM serine/threonine kinase; plus strand). Cytogenetic location: 11q22.3.
Variant type: single nucleotide variant.
Coding change: c.4879C>G on transcript NM_000051.4 (MANE Select); coding-DNA position 4879, C replaced by G.
Protein change: p.Gln1627Glu; replaces glutamine 1627 with glutamic acid.
Molecular consequence: missense variant.
Genome position (GRCh38, 1-based): chr11:108,295,029, C>G. VCF-style: chr11-108295029-C-G. GRCh37 (hg19) VCF-style: chr11-108165756-C-G.
Other names: c.4879C>G, p.Gln1627Glu (NM_001351834.2); short protein forms Q1627E.
Identifiers: ClinVar variation 2726156 (VCV002726156.3), dbSNP rs886039592, ClinGen allele CA382537157.

ClinVar aggregate classification (germline): Uncertain significance (1 of 4 stars; one submission).

Conditions:
Ataxia-telangiectasia syndrome (AT). Also called: Cerebello-oculocutaneous telangiectasia; Immunodeficiency with ataxia telangiectasia; Ataxia-telangiectasia, complementation group E; Ataxia-telangiectasia, complementation group D; AT, COMPLEMENTATION GROUP C; ATAXIA-TELANGIECTASIA, COMPLEMENTATION GROUP A. Identifiers: Orphanet 100, MedGen C0004135, MONDO:0008840, OMIM 208900.

gnomAD v4.1: 1 of 1,613,892 alleles (0.000062%); highest among the groups gnomAD compares: Middle Eastern, 0.017%; no homozygotes.

Submission:

Labcorp Genetics (formerly Invitae), Labcorp
Classification: Uncertain significance for Ataxia-telangiectasia syndrome. Last evaluated: 2023-06-23. Review status: criteria provided, single submitter. Criteria: Invitae Variant Classification Sherloc (09022015). Collection method: clinical testing. Allele origin: germline.
Comment: This sequence change replaces glutamine, which is neutral and polar, with glutamic acid, which is acidic and polar, at codon 1627 of the ATM protein (p.Gln1627Glu). An algorithm developed to predict the effect of missense changes on protein structure and function (PolyPhen-2) suggests that this variant is likely to be tolerated. This variant has not been reported in the literature in individuals affected with ATM-related conditions. This variant is not present in population databases (gnomAD no frequency). In summary, the available evidence is currently insufficient to determine the role of this variant in disease. Therefore, it has been classified as a Variant of Uncertain Significance.